The following is an entry in ClinVar:

ClinVar aggregate classification (germline): Uncertain significance. Review status: criteria provided, multiple submitters, no conflicts (2 of 4 stars). 2 submissions from 2 submitters: Uncertain significance (2). Last evaluated 2025-10-01.

Conditions:
Inborn genetic diseases. Identifiers: MedGen C0950123, MeSH D030342.

Allele frequency attached by ClinVar (database versions not stated): gnomAD 0.00001.
gnomAD v4.1: 27 of 1,559,696 alleles (0.0017%); highest among the groups gnomAD compares: Admixed American, 0.0057%; no homozygotes.

Submissions (2):

CeGaT Center for Human Genetics Tuebingen
Classification: Uncertain significance. Last evaluated: 2025-10-01. Review status: criteria provided, single submitter. Criteria: CeGaT Center For Human Genetics Tuebingen Variant Classification Criteria Version 2. Collection method: clinical testing. Allele origin: germline. Affected: yes. Observed: 1 variant allele.
Comment: PAX8: PVS1:Moderate, PM2:Supporting

Ambry Genetics
Classification: Uncertain significance for Inborn genetic diseases. Last evaluated: 2024-02-17. Review status: criteria provided, single submitter. Criteria: Ambry Variant Classification Scheme 2023. Collection method: clinical testing. Allele origin: germline.

NM_003466.4(PAX8):c.1310C>T (p.Pro437Leu)

Gene: PAX8 (paired box 8; minus strand). Cytogenetic location: 2q14.1.
Variant type: single nucleotide variant.
Coding change: c.1310C>T on transcript NM_003466.4 (MANE Select); coding-DNA position 1310, C replaced by T.
Protein change: p.Pro437Leu; replaces proline 437 with leucine.
Molecular consequence: missense variant. On other transcripts: 3 prime UTR variant (3).
Genome position (GRCh38, 1-based): chr2:113,218,576, G>A on the plus strand (C>T on the coding strand, the complement: PAX8 is on the minus strand). VCF-style: chr2-113218576-G-A. GRCh37 (hg19) VCF-style: chr2-113976153-G-A.
Other names: c.*34C>T (NM_013952.4, NM_013953.4, NM_013992.4); short protein forms P437L.
Identifiers: ClinVar variation 3208991 (VCV003208991.7), dbSNP rs575054787, ClinGen allele CA1839888.
Genomic context (GRCh38, chr2:113,218,576, plus strand): 5'-CACTGTCCCCATGGCAACTACAGATGGTCAAAGGCCGTGGCAGTGGTGGGCGGTGCACTC[G>A]GCCTTGATGTGGAACTGTAATAATATGGGGAACCTGGACACATTAAAAAAAAATAACAAC-3'
Protein context (NP_003457.1, residues 427-447): SPYYYSSTSR[Pro437Leu]SAPPTTATAF